The following is an entry in ClinVar:

NM_022124.6(CDH23):c.1068C>T (p.Ala356=)

Gene: CDH23 (cadherin related 23; plus strand). Cytogenetic location: 10q22.1.
Variant type: single nucleotide variant.
Coding change: c.1068C>T on transcript NM_022124.6 (MANE Select); coding-DNA position 1068, C replaced by T.
Protein change: p.Ala356=; no amino-acid change (alanine 356 retained).
Molecular consequence: synonymous variant.
Genome position (GRCh38, 1-based): chr10:71,617,327, C>T. VCF-style: chr10-71617327-C-T. GRCh37 (hg19) VCF-style: chr10-73377084-C-T.
Other names: c.1068C>T, p.Ala356= (NM_001171930.2, NM_001171931.2, NM_001171932.2 and 1 more transcripts).
Identifiers: ClinVar variation 45860 (VCV000045860.22), dbSNP rs141247813, ClinGen allele CA137254.

ClinVar aggregate classification (germline): Conflicting classifications of pathogenicity. Review status: criteria provided, conflicting classifications (1 of 4 stars). 7 submissions from 6 submitters: Uncertain significance (2); Likely benign (5). Last evaluated 2026-02-17.

Conditions:
CDH23-related disorder. Also called: CDH23-related disorders; CDH23-related condition.
Autosomal recessive nonsyndromic hearing loss 12. Also called: DEAFNESS, AUTOSOMAL RECESSIVE 12. Identifiers: Orphanet 90636, MedGen C1832394, MONDO:0011067, OMIM 601386.
Usher syndrome type 1D (USH1D). Also called: USHER SYNDROME, TYPE ID. Identifiers: Orphanet 231169, Orphanet 886, MedGen C1832845, MONDO:0010984, OMIM 601067.

Allele frequency attached by ClinVar (database versions not stated): gnomAD 0.00007; gnomAD exomes 0.00011 and 0.00013; TOPMed 0.00012; ExAC 0.00014; ESP Exome Variant Server 0.00015; 1000 Genomes Project 30x 0.00016; 1000 Genomes Project 0.00020.
gnomAD v4.1: 174 of 1,613,952 alleles (0.011%); highest among the groups gnomAD compares: Non-Finnish European, 0.013%; no homozygotes.

Submissions (7):

PreventionGenetics, part of Exact Sciences
Classification: Likely benign for CDH23-related condition. Last evaluated: 2026-02-17. Review status: criteria provided, single submitter. Criteria: ACMG Guidelines, 2015. Collection method: clinical testing. Allele origin: germline.
Comment: This variant is classified as likely benign based on ACMG/AMP sequence variant interpretation guidelines (Richards et al. 2015 PMID: 25741868, with internal and published modifications).

Labcorp Genetics (formerly Invitae), Labcorp
Classification: Likely benign. Last evaluated: 2026-01-25. Review status: criteria provided, single submitter. Criteria: Invitae Variant Classification Sherloc (09022015). Collection method: clinical testing. Allele origin: germline.

Blueprint Genetics
Classification: Likely benign. Last evaluated: 2024-11-17. Review status: criteria provided, single submitter. Criteria: ACMG Guidelines, 2015. Collection method: clinical testing. Allele origin: germline.

GeneDx
Classification: Likely benign. Last evaluated: 2020-05-11. Review status: criteria provided, single submitter. Criteria: GeneDx Variant Classification Process June 2021. Collection method: clinical testing. Allele origin: germline. Affected: yes.

Illumina Laboratory Services, Illumina
Classification: Uncertain significance for Usher syndrome type 1D. Last evaluated: 2018-01-12. Review status: criteria provided, single submitter. Criteria: ICSL Variant Classification Criteria 13 December 2019. Collection method: clinical testing. Allele origin: germline.

Illumina Laboratory Services, Illumina
Classification: Uncertain significance for Autosomal recessive nonsyndromic hearing loss 12. Last evaluated: 2018-01-12. Review status: criteria provided, single submitter. Criteria: ICSL Variant Classification Criteria 13 December 2019. Collection method: clinical testing. Allele origin: germline.

Laboratory for Molecular Medicine, Mass General Brigham Personalized Medicine
Classification: Likely benign. Last evaluated: 2014-08-11. Review status: criteria provided, single submitter. Criteria: LMM Criteria. Collection method: clinical testing. Allele origin: germline. Observed: 1 variant allele.
Comment: Ala356Ala in Exon 11A of CDH23: This variant is not expected to have clinical si gnificance because it does not alter an amino acid residue, is not located withi n the splice consensus sequence, and has been identified in 2/8578 European Amer ican chromosomes from a broad population by the NHLBI Exome Sequencing Project (dbSNP rs141247813).